The following is an entry in ClinVar:

ClinVar aggregate classification (germline): Uncertain significance. Review status: criteria provided, multiple submitters, no conflicts (2 of 4 stars). 2 submissions from 2 submitters: Uncertain significance (2). Last evaluated 2026-01-02.

Conditions:
Pheochromocytoma. Also called: MAX-Related Hereditary Paraganglioma-Pheochromocytoma Syndrome. Identifiers: Orphanet 29072, MedGen C0031511, MONDO:0008233, OMIM 171300, HP:0002666.
Paragangliomas with sensorineural hearing loss. Identifiers: MedGen C1868633.
Cowden syndrome 3 (CWS3). Identifiers: Orphanet 201, MedGen CN166604, MONDO:0014045.
Carney-Stratakis syndrome. Also called: PARAGANGLIOMA AND GASTROINTESTINAL STROMAL TUMOR. Identifiers: Orphanet 97286, MedGen C1847319, MONDO:0011740, OMIM 606864.
Hereditary cancer-predisposing syndrome. Also called: Hereditary neoplastic syndrome; Neoplastic Syndromes, Hereditary; Tumor predisposition; Hereditary Cancer Syndrome. Identifiers: Orphanet 140162, MedGen C0027672, MeSH D009386, MONDO:0015356.

Submissions (2):

Labcorp Genetics (formerly Invitae), Labcorp
Classification: Uncertain significance for Carney-Stratakis syndrome; Paragangliomas with sensorineural hearing loss; Pheochromocytoma; Cowden syndrome 3. Last evaluated: 2026-01-02. Review status: criteria provided, single submitter. Criteria: Invitae Variant Classification Sherloc (09022015). Collection method: clinical testing. Allele origin: germline.
Comment: This sequence change replaces glycine, which is neutral and non-polar, with alanine, which is neutral and non-polar, at codon 15 of the SDHD protein (p.Gly15Ala). This variant is not present in population databases (gnomAD no frequency). This variant has not been reported in the literature in individuals affected with SDHD-related conditions. ClinVar contains an entry for this variant (Variation ID: 1004905). Invitae Evidence Modeling of protein sequence and biophysical properties (such as structural, functional, and spatial information, amino acid conservation, physicochemical variation, residue mobility, and thermodynamic stability) indicates that this missense variant is not expected to disrupt SDHD protein function with a negative predictive value of 95%. In summary, the available evidence is currently insufficient to determine the role of this variant in disease. Therefore, it has been classified as a Variant of Uncertain Significance.

Ambry Genetics
Classification: Uncertain significance for Hereditary cancer-predisposing syndrome. Last evaluated: 2022-08-29. Review status: criteria provided, single submitter. Criteria: Ambry Variant Classification Scheme 2023. Collection method: clinical testing. Allele origin: germline.
Comment: The p.G15A variant (also known as c.44G>C), located in coding exon 1 of the SDHD gene, results from a G to C substitution at nucleotide position 44. The glycine at codon 15 is replaced by alanine, an amino acid with similar properties. This amino acid position is conserved. In addition, the in silico prediction for this alteration is inconclusive. Since supporting evidence is limited at this time, the clinical significance of this alteration remains unclear.

NM_003002.4(SDHD):c.44G>C (p.Gly15Ala)

Genes: SDHD (succinate dehydrogenase complex subunit D; plus strand), LOC126861339 (BRD4-independent group 4 enhancer GRCh37_chr11:111957035-111958234; plus strand). Cytogenetic location: 11q23.1.
Variant type: single nucleotide variant.
Coding change: c.44G>C on transcript NM_003002.4 (MANE Select); coding-DNA position 44, G replaced by C.
Protein change: p.Gly15Ala; replaces glycine 15 with alanine.
Molecular consequence: missense variant. On other transcripts: non-coding transcript variant (1).
Genome position (GRCh38, 1-based): chr11:112,086,951, G>C. VCF-style: chr11-112086951-G-C. GRCh37 (hg19) VCF-style: chr11-111957675-G-C.
Other names: c.44G>C, p.Gly15Ala (NM_001276503.2, NM_001276504.2, NM_001276506.2); short protein forms G15A.
Identifiers: ClinVar variation 1004905 (VCV001004905.12), dbSNP rs1865621392, ClinGen allele CA382616743.
Genomic context (GRCh38, chr11:112,086,951, plus strand): 5'-GAGCCCTCAGGAACGAGATGGCGGTTCTCTGGAGGCTGAGTGCCGTTTGCGGTGCCCTAG[G>C]AGGCCGAGGTGAGGGGTCTTCCCACCCTGAGGTGCTTAGCGTAGCCTCCAGCCAGGGAAG-3'
Protein context (NP_002993.1, residues 5-25): WRLSAVCGAL[Gly15Ala]GRALLLRTPV